The following is an entry in ClinVar:

NM_181703.4(GJA5):c.550G>A (p.Val184Ile)

Gene: GJA5 (gap junction protein alpha 5; minus strand). Cytogenetic location: 1q21.2.
Variant type: single nucleotide variant.
Coding change: c.550G>A on transcript NM_181703.4 (MANE Select); coding-DNA position 550, G replaced by A.
Protein change: p.Val184Ile; replaces valine 184 with isoleucine.
Molecular consequence: missense variant.
Genome position (GRCh38, 1-based): chr1:147,758,689, C>T on the plus strand (G>A on the coding strand, the complement: GJA5 is on the minus strand). VCF-style: chr1-147758689-C-T. GRCh37 (hg19) VCF-style: chr1-147230797-C-T.
Other names: c.550G>A, p.Val184Ile (NM_005266.7); short protein forms V184I.
Identifiers: ClinVar variation 2942467 (VCV002942467.3), dbSNP rs2524610210, ClinGen allele CA342395696.

ClinVar aggregate classification (germline): Uncertain significance (1 of 4 stars; one submission).

Conditions:
Atrial fibrillation, familial, 11 (ATFB11). Identifiers: MedGen C3279693, MONDO:0013544, OMIM 614049.
Atrial standstill 1 (ATRST1). Also called: Atrial standstill, digenic (GJA5/SCN5A); ATRIAL CARDIOMYOPATHY WITH HEART BLOCK; CARDIOMYOPATHY, FAMILIAL, WITH CONDUCTION DISTURBANCE. Identifiers: Orphanet 1344, MedGen C4551959, MONDO:0007171, OMIM 108770.

Allele frequency attached by ClinVar (database versions not stated): gnomAD exomes below 0.00001.
gnomAD v4.1: 1 of 1,614,194 alleles (0.000062%); highest among the groups gnomAD compares: Non-Finnish European, 0.000085%; no homozygotes.

Submission:

Labcorp Genetics (formerly Invitae), Labcorp
Classification: Uncertain significance for Atrial fibrillation, familial, 11; Atrial standstill 1. Last evaluated: 2023-08-23. Review status: criteria provided, single submitter. Criteria: Invitae Variant Classification Sherloc (09022015). Collection method: clinical testing. Allele origin: germline.
Comment: In summary, the available evidence is currently insufficient to determine the role of this variant in disease. Therefore, it has been classified as a Variant of Uncertain Significance. Advanced modeling of protein sequence and biophysical properties (such as structural, functional, and spatial information, amino acid conservation, physicochemical variation, residue mobility, and thermodynamic stability) performed at Invitae indicates that this missense variant is not expected to disrupt GJA5 protein function. This variant has not been reported in the literature in individuals affected with GJA5-related conditions. This variant is not present in population databases (gnomAD no frequency). This sequence change replaces valine, which is neutral and non-polar, with isoleucine, which is neutral and non-polar, at codon 184 of the GJA5 protein (p.Val184Ile).